The following is an entry in ClinVar:

NM_001283009.2(RTEL1):c.1205T>C (p.Val402Ala)

Genes: RTEL1 (regulator of telomere elongation helicase 1; plus strand), RTEL1-TNFRSF6B (RTEL1-TNFRSF6B readthrough (NMD candidate); plus strand). Cytogenetic location: 20q13.33.
Variant type: single nucleotide variant.
Coding change: c.1205T>C on transcript NM_001283009.2 (MANE Select); coding-DNA position 1205, T replaced by C.
Protein change: p.Val402Ala; replaces valine 402 with alanine.
Molecular consequence: missense variant. On other transcripts: non-coding transcript variant (1).
Genome position (GRCh38, 1-based): chr20:63,685,536, T>C. VCF-style: chr20-63685536-T-C. GRCh37 (hg19) VCF-style: chr20-62316889-T-C.
Other names: c.536T>C, p.Val179Ala (NM_001283010.1); c.1205T>C, p.Val402Ala (NM_016434.4); c.1277T>C, p.Val426Ala (NM_032957.5); short protein forms V179A, V402A, V426A.
Identifiers: ClinVar variation 970832 (VCV000970832.13), dbSNP rs137956338, ClinGen allele CA9964674.

ClinVar aggregate classification (germline): Conflicting classifications of pathogenicity. Review status: criteria provided, conflicting classifications (1 of 4 stars). 5 submissions from 5 submitters: Uncertain significance (4); Likely benign (1). Last evaluated 2026-01-06.

Conditions:
Dyskeratosis congenita, autosomal recessive 5 (DKCB5). Identifiers: MedGen C3554656, MONDO:0014076, OMIM 615190.
Pulmonary fibrosis and/or bone marrow failure, Telomere-related, 3. Also called: PULMONARY FIBROSIS AND/OR BONE MARROW FAILURE SYNDROME, TELOMERE-RELATED, 3. Identifiers: Orphanet 2032, MedGen C4225346, MONDO:0014613, OMIM 616373.
Dyskeratosis congenita. Identifiers: Orphanet 1775, MedGen C0265965, MONDO:0015780.

Allele frequency attached by ClinVar (database versions not stated): gnomAD exomes 0.00003 and 0.00008; ExAC 0.00016; ESP Exome Variant Server 0.00039; TOPMed 0.00040; gnomAD 0.00046 and 0.00050.
gnomAD v4.1: 142 of 1,612,548 alleles (0.0088%); highest among the groups gnomAD compares: African/African-American, 0.16%; no homozygotes.

Submissions (5):

Labcorp Genetics (formerly Invitae), Labcorp
Classification: Uncertain significance for Dyskeratosis congenita, autosomal recessive 5; Pulmonary fibrosis and/or bone marrow failure, Telomere-related, 3. Last evaluated: 2026-01-06. Review status: criteria provided, single submitter. Criteria: Invitae Variant Classification Sherloc (09022015). Collection method: clinical testing. Allele origin: germline.
Comment: This sequence change replaces valine, which is neutral and non-polar, with alanine, which is neutral and non-polar, at codon 402 of the RTEL1 protein (p.Val402Ala). This variant is present in population databases (rs137956338, gnomAD 0.1%). This missense change has been observed in individual(s) with myelodysplastic syndrome (PMID: 29344583). ClinVar contains an entry for this variant (Variation ID: 970832). An algorithm developed to predict the effect of missense changes on protein structure and function outputs the following: PolyPhen-2: "Benign". The alanine amino acid residue is found in multiple mammalian species, which suggests that this missense change does not adversely affect protein function. In summary, the available evidence is currently insufficient to determine the role of this variant in disease. Therefore, it has been classified as a Variant of Uncertain Significance.

Fulgent Genetics
Classification: Uncertain significance for Dyskeratosis congenita, autosomal recessive 5; Pulmonary fibrosis and/or bone marrow failure, Telomere-related, 3. Last evaluated: 2024-06-14. Review status: criteria provided, single submitter. Criteria: ACMG Guidelines, 2015. Collection method: clinical testing. Allele origin: germline.

Blueprint Genetics
Classification: Likely benign. Last evaluated: 2024-04-08. Review status: criteria provided, single submitter. Criteria: ACMG Guidelines, 2015. Collection method: clinical testing. Allele origin: germline.

GeneDx
Classification: Uncertain significance. Last evaluated: 2022-09-23. Review status: criteria provided, single submitter. Criteria: GeneDx Variant Classification Process June 2021. Collection method: clinical testing. Allele origin: germline. Affected: yes.
Comment: In silico analysis supports that this missense variant does not alter protein structure/function; Identified in an individual with hypocellular myelodysplastic syndrome and shortened telomeres, reported as p.Val402Ala using alternate nomenclature (Marsh et al., 2018); This variant is associated with the following publications: (PMID: 29344583)

Sema4
Classification: Uncertain significance for Dyskeratosis congenita. Last evaluated: 2021-12-07. Review status: criteria provided, single submitter. Criteria: Sema4 Curation Guidelines. Collection method: curation. Allele origin: germline.
Comment: The RTEL1 c.1205T>C (p.V402A) variant also known as c.1277T>C (p.V426A) (NM_032957.5) has been reported in 1 individual with myelodysplastic syndrome (PMID 29344583). This variant was observed in 34/24680 chromosomes in the African/African American population according to the Genome Aggregation Database (PMID: 32461654). This variant has been reported in ClinVar (Variation ID 970832). Functional studies have not been performed, and in silico predictions of the variant's effect on protein function are inconclusive. The overall evidence is insufficient to meet ACMG/AMP criteria for classifying it as benign or pathogenic. In summary, the clinical significance of this variant is currently uncertain.

Literature cited by the submitters: PubMed 29344583 (cited by Labcorp Genetics (formerly Invitae), Labcorp and Sema4).